The following is an entry in ClinVar:

ClinVar aggregate classification (germline): Uncertain significance (1 of 4 stars; one submission).

gnomAD v4.1: 3 of 1,613,898 alleles (0.00019%); no homozygotes.

Submission:

Ambry Genetics
Classification: Uncertain significance. Last evaluated: 2025-01-16. Review status: criteria provided, single submitter. Criteria: Ambry Variant Classification Scheme 2023. Collection method: clinical testing. Allele origin: germline.
Comment: The p.D719E variant (also known as c.2157C>G), located in coding exon 12 of the PKP4 gene, results from a C to G substitution at nucleotide position 2157. The aspartic acid at codon 719 is replaced by glutamic acid, an amino acid with highly similar properties. This amino acid position is conserved. In addition, this alteration is predicted to be tolerated by in silico analysis. Based on the available evidence, the clinical significance of this variant remains unclear.

NM_003628.6(PKP4):c.2157C>G (p.Asp719Glu)

Genes: PKP4 (plakophilin 4; plus strand), PKP4-AS1 (PKP4 antisense RNA 1; minus strand). Cytogenetic location: 2q24.1.
Variant type: single nucleotide variant.
Coding change: c.2157C>G on transcript NM_003628.6 (MANE Select); coding-DNA position 2157, C replaced by G.
Protein change: p.Asp719Glu; replaces aspartic acid 719 with glutamic acid.
Molecular consequence: missense variant. On other transcripts: non-coding transcript variant (1).
Genome position (GRCh38, 1-based): chr2:158,661,396, C>G. VCF-style: chr2-158661396-C-G. GRCh37 (hg19) VCF-style: chr2-159517908-C-G.
Other names: c.2157C>G, p.Asp719Glu (NM_001005476.4, NM_001304971.2, NM_001377218.1 and 1 more transcripts); c.2154C>G, p.Asp718Glu (NM_001304969.3, NM_001377219.1, NM_001377220.1 and 2 more transcripts); c.1128C>G, p.Asp376Glu (NM_001304970.3); c.2151C>G, p.Asp717Glu (NM_001377222.1, NM_001377223.1); c.2148C>G, p.Asp716Glu (NM_001377224.1); short protein forms D718E, D716E, D717E, D719E, D376E.
Identifiers: ClinVar variation 3889675 (VCV003889675.1).
Genomic context (GRCh38, chr2:158,661,396, plus strand): 5'-CCTCAGCTCCGCGGGGGAAGAAGCTCGGAAGCAAATGCGGTCCTGCGAGGGGCTGGTAGA[C>G]TCACTGTTGTATGTGATCCACACGTGTGTGAACACATCCGATTACGACAGCAAGGTCAGT-3'
Protein context (NP_003619.2, residues 709-729): KQMRSCEGLV[Asp719Glu]SLLYVIHTCV